The following is an entry in ClinVar:

ClinVar aggregate classification (germline): Likely pathogenic (1 of 4 stars; one submission).

Conditions:
Melanoma-pancreatic cancer syndrome. Identifiers: Orphanet 404560, MedGen C1838547, MONDO:0011713, OMIM 606719. Disease mechanism: loss of function.

Submission:

Myriad Genetics, Inc.
Classification: Likely pathogenic for Melanoma-pancreatic cancer syndrome. Last evaluated: 2025-01-22. Review status: criteria provided, single submitter. Criteria: Myriad Autosomal Dominant, Autosomal Recessive and X-Linked Classification Criteria (2023). Collection method: clinical testing. Allele origin: unknown.
Comment: This variant is considered likely pathogenic. This variant creates a frameshift predicted to result in premature protein truncation.

NM_000077.5(CDKN2A):c.275del (p.Asp92fs)

Gene: CDKN2A (cyclin dependent kinase inhibitor 2A; minus strand). Cytogenetic location: 9p21.3.
Variant type: Deletion.
Coding change: c.275del on transcript NM_000077.5; coding-DNA position 275, one base deleted (A; older notation c.275delA).
Protein change: p.Asp92fs; shifts the reading frame from aspartic acid 92.
Molecular consequence: frameshift variant (on NM_000077.6). On other transcripts: 3 prime UTR variant (1).
Genome position (GRCh38, 1-based): chr9:21,971,084, T deleted on the plus strand (A on the coding strand, the reverse complement: CDKN2A is on the minus strand). VCF-style (leftmost placement, unchanged base first): chr9-21971083-GT-G. GRCh37 (hg19) VCF-style: chr9-21971082-GT-G.
Other names: c.275delA, p.Asp92Alafs (NM_000077.6); c.275del, p.Asp92fs (NM_001195132.2); c.122del, p.Asp41fs (NM_001363763.2); c.318del, p.His107fs (NM_058195.4); c.*198del (NM_058197.5); short protein forms D41fs, D92fs, H107fs.
Identifiers: ClinVar variation 3904703 (VCV003904703.1).